The following is an entry in ClinVar:

ClinVar aggregate classification (germline): Pathogenic. Review status: criteria provided, multiple submitters, no conflicts (2 of 4 stars). 2 submissions from 2 submitters: Pathogenic (2). Last evaluated 2024-03-11.

Conditions:
Pigmentary pallidal degeneration (NBIA1). Also called: Neurodegeneration with brain iron accumulation 1; PKAN NEUROAXONAL DYSTROPHY, JUVENILE-ONSET; Neuroaxonal dystrophy, late infantile; Hallervorden-Spatz disease; HARP SYNDROME; Pantothenate Kinase-Associated Neurodegeneration. Identifiers: Orphanet 157850, MedGen C0018523, MONDO:0009319, OMIM 234200.

Allele frequency attached by ClinVar (database versions not stated): gnomAD 0.00001; TOPMed 0.00001.
gnomAD v4.1: 2 of 1,613,956 alleles (0.00012%); highest among the groups gnomAD compares: Non-Finnish European, 0.00017%; no homozygotes.

Submissions (2):

Labcorp Genetics (formerly Invitae), Labcorp
Classification: Pathogenic for Pigmentary pallidal degeneration. Last evaluated: 2024-03-11. Review status: criteria provided, single submitter. Criteria: Invitae Variant Classification Sherloc (09022015). Collection method: clinical testing. Allele origin: germline.
Comment: This sequence change affects a donor splice site in intron 3 of the PANK2 gene. It is expected to disrupt RNA splicing. Variants that disrupt the donor or acceptor splice site typically lead to a loss of protein function (PMID: 16199547), and loss-of-function variants in PANK2 are known to be pathogenic (PMID: 11479594, 12510040). This variant is not present in population databases (gnomAD no frequency). Disruption of this splice site has been observed in individuals with PANK2-related conditions (PMID: 28708303; Invitae). ClinVar contains an entry for this variant (Variation ID: 1030294). Algorithms developed to predict the effect of sequence changes on RNA splicing suggest that this variant may disrupt the consensus splice site. For these reasons, this variant has been classified as Pathogenic.

Baylor Genetics
Classification: Pathogenic for Pigmentary pallidal degeneration. Last evaluated: 2019-09-27. Review status: criteria provided, single submitter. Criteria: ACMG Guidelines, 2015. Collection method: clinical testing. Allele origin: unknown. Affected: yes.
Comment: This variant was determined to be pathogenic according to ACMG Guidelines, 2015 [PMID:25741868].

Literature cited by the submitters: PubMed 16199547 (cited by Labcorp Genetics (formerly Invitae), Labcorp); PubMed 11479594 (cited by Labcorp Genetics (formerly Invitae), Labcorp); PubMed 12510040 (cited by Labcorp Genetics (formerly Invitae), Labcorp); PubMed 28708303 (cited by Labcorp Genetics (formerly Invitae), Labcorp).

NM_001386393.1(PANK2):c.905+1G>C

Gene: PANK2 (pantothenate kinase 2; plus strand). Cytogenetic location: 20p13.
Variant type: single nucleotide variant.
Coding change: c.905+1G>C on transcript NM_001386393.1 (MANE Select); the canonical splice donor site of the intron after coding-DNA position 905, G replaced by C.
Molecular consequence: splice donor variant.
Genome position (GRCh38, 1-based): chr20:3,910,831, G>C. VCF-style: chr20-3910831-G-C. GRCh37 (hg19) VCF-style: chr20-3891478-G-C.
Other names: c.362+1G>C (NM_153640.4, NM_024960.6, NM_001324191.2); c.-74+1G>C (NM_001324193.2); c.1235+1G>C (NM_153638.4).
Identifiers: ClinVar variation 1030294 (VCV001030294.9), dbSNP rs1135401789, ClinGen allele CA408115847.